The following is an entry in ClinVar:

ClinVar aggregate classification (germline): Uncertain significance (1 of 4 stars; one submission).

gnomAD v4.1: 2 of 1,614,052 alleles (0.00012%); highest among the groups gnomAD compares: Non-Finnish European, 0.00017%; no homozygotes.

Submission:

Labcorp Genetics (formerly Invitae), Labcorp
Classification: Uncertain significance. Last evaluated: 2023-07-05. Review status: criteria provided, single submitter. Criteria: Invitae Variant Classification Sherloc (09022015). Collection method: clinical testing. Allele origin: germline.
Comment: This sequence change replaces proline, which is neutral and non-polar, with serine, which is neutral and polar, at codon 524 of the ELP1 protein (p.Pro524Ser). This variant is not present in population databases (gnomAD no frequency). This variant has not been reported in the literature in individuals affected with ELP1-related conditions. Advanced modeling of protein sequence and biophysical properties (such as structural, functional, and spatial information, amino acid conservation, physicochemical variation, residue mobility, and thermodynamic stability) performed at Invitae indicates that this missense variant is not expected to disrupt ELP1 protein function. In summary, the available evidence is currently insufficient to determine the role of this variant in disease. Therefore, it has been classified as a Variant of Uncertain Significance.

NM_003640.5(ELP1):c.1570C>T (p.Pro524Ser)

Gene: ELP1 (elongator acetyltransferase complex subunit 1; minus strand). Cytogenetic location: 9q31.3.
Variant type: single nucleotide variant.
Coding change: c.1570C>T on transcript NM_003640.5 (MANE Select); coding-DNA position 1570, C replaced by T.
Protein change: p.Pro524Ser; replaces proline 524 with serine.
Molecular consequence: missense variant.
Genome position (GRCh38, 1-based): chr9:108,906,376, G>A on the plus strand (C>T on the coding strand, the complement: ELP1 is on the minus strand). VCF-style: chr9-108906376-G-A. GRCh37 (hg19) VCF-style: chr9-111668656-G-A.
Other names: c.1228C>T, p.Pro410Ser (NM_001318360.2); c.523C>T, p.Pro175Ser (NM_001330749.2); short protein forms P175S, P524S, P410S.
Identifiers: ClinVar variation 2902739 (VCV002902739.3), dbSNP rs2537912712, ClinGen allele CA374427484.